The following is an entry in ClinVar:

NM_000038.6(APC):c.4575G>T (p.Met1525Ile)

Gene: APC (APC regulator of Wnt signaling pathway; plus strand). Cytogenetic location: 5q22.2.
Variant type: single nucleotide variant.
Coding change: c.4575G>T on transcript NM_000038.6 (MANE Select); coding-DNA position 4575, G replaced by T.
Protein change: p.Met1525Ile; replaces methionine 1525 with isoleucine.
Molecular consequence: missense variant. On other transcripts: non-coding transcript variant (2).
Genome position (GRCh38, 1-based): chr5:112,840,169, G>T. VCF-style: chr5-112840169-G-T. GRCh37 (hg19) VCF-style: chr5-112175866-G-T.
Other names: c.4575G>T, p.Met1525Ile (NM_001127510.3, NM_001354895.2, NM_001407450.1); c.4521G>T, p.Met1507Ile (NM_001127511.3); c.4629G>T, p.Met1543Ile (NM_001354896.2, NM_001407447.1, NM_001407448.1 and 1 more transcripts); c.4605G>T, p.Met1535Ile (NM_001354897.2); c.4500G>T, p.Met1500Ile (NM_001354898.2); c.4491G>T, p.Met1497Ile (NM_001354899.2); c.4452G>T, p.Met1484Ile (NM_001354900.2); c.4398G>T, p.Met1466Ile (NM_001354901.2, NM_001407453.1); and 11 more; short protein forms M1242I, M1365I, M1424I, M1466I, M1525I, M1535I, M1543I, M1396I.
Identifiers: ClinVar variation 3676210 (VCV003676210.2).

ClinVar aggregate classification (germline): Uncertain significance (1 of 4 stars; one submission).

Conditions:
Familial adenomatous polyposis 1 (FAP1). Also called: POLYPOSIS, ADENOMATOUS INTESTINAL; FAMILIAL ADENOMATOUS POLYPOSIS 1, ATTENUATED. Identifiers: MedGen C2713442, MONDO:0021056, OMIM 175100. Disease mechanism: loss of function.

Submission:

Labcorp Genetics (formerly Invitae), Labcorp
Classification: Uncertain significance for Familial adenomatous polyposis 1. Last evaluated: 2024-08-15. Review status: criteria provided, single submitter. Criteria: Invitae Variant Classification Sherloc (09022015). Collection method: clinical testing. Allele origin: germline.
Comment: This sequence change replaces methionine, which is neutral and non-polar, with isoleucine, which is neutral and non-polar, at codon 1525 of the APC protein (p.Met1525Ile). This variant is not present in population databases (gnomAD no frequency). This variant has not been reported in the literature in individuals affected with APC-related conditions. Invitae Evidence Modeling of protein sequence and biophysical properties (such as structural, functional, and spatial information, amino acid conservation, physicochemical variation, residue mobility, and thermodynamic stability) indicates that this missense variant is not expected to disrupt APC protein function with a negative predictive value of 95%. In summary, the available evidence is currently insufficient to determine the role of this variant in disease. Therefore, it has been classified as a Variant of Uncertain Significance.